The following is an entry in ClinVar:

NM_003809.3(TNFSF12):c.338-9A>G

Genes: TNFSF12 (TNF superfamily member 12; plus strand), TNFSF12-TNFSF13 (TNFSF12-TNFSF13 readthrough; plus strand). Cytogenetic location: 17p13.1.
Variant type: single nucleotide variant.
Coding change: c.338-9A>G on transcript NM_003809.3 (MANE Select); 9 bases into the intron before coding-DNA position 338, A replaced by G.
Molecular consequence: intron variant.
Genome position (GRCh38, 1-based): chr17:7,550,934, A>G. VCF-style: chr17-7550934-A-G. GRCh37 (hg19) VCF-style: chr17-7454251-A-G.
Other names: c.338-9A>G (NM_172089.4).
Identifiers: ClinVar variation 455755 (VCV000455755.15), dbSNP rs114577645, ClinGen allele CA8350782.

ClinVar aggregate classification (germline): Benign. Review status: criteria provided, multiple submitters, no conflicts (2 of 4 stars). 3 submissions from 3 submitters: Benign (2). 1 of the submissions does not count toward it. Last evaluated 2026-02-01.

Conditions:
TNFSF12-related disorder. Also called: TNFSF12-related condition.
Common variable immunodeficiency (CVID). Also called: Common variable hypogamma-globulinemia; Common variable agammaglobulinemia. Identifiers: Orphanet 1572, MedGen C0009447, MONDO:0015517.

Allele frequency attached by ClinVar (database versions not stated): gnomAD exomes 0.00165 and 0.00424; ExAC 0.00500; gnomAD 0.01563 and 0.01655; TOPMed 0.01815; ESP Exome Variant Server 0.01830; 1000 Genomes Project 0.02037; 1000 Genomes Project 30x 0.02046.
gnomAD v4.1: 4,865 of 1,614,076 alleles (0.3%); highest among the groups gnomAD compares: African/African-American, 5.6%; 106 homozygotes.

Submissions (3):

Labcorp Genetics (formerly Invitae), Labcorp
Classification: Benign for Common variable immunodeficiency. Last evaluated: 2026-02-01. Review status: criteria provided, single submitter. Criteria: Invitae Variant Classification Sherloc (09022015). Collection method: clinical testing. Allele origin: germline.

Women's Health and Genetics/Laboratory Corporation of America, LabCorp
Classification: Benign. Last evaluated: 2026-01-23. Review status: criteria provided, single submitter. Criteria: LabCorp Variant Classification Summary - May 2015. Collection method: clinical testing. Allele origin: germline.

PreventionGenetics, part of Exact Sciences
Classification: Benign for TNFSF12-related condition. Last evaluated: 2019-06-17. Review status: no assertion criteria provided. Collection method: clinical testing. Allele origin: germline. Not counted in ClinVar's aggregate classification.
Comment: This variant is classified as benign based on ACMG/AMP sequence variant interpretation guidelines (Richards et al. 2015 PMID: 25741868, with internal and published modifications).